The following is an entry in ClinVar:

NM_005876.5(SPEG):c.7843A>G (p.Ile2615Val)

Genes: ASIC4-AS1 (ASIC4 antisense RNA 1; minus strand), SPEG (striated muscle enriched protein kinase; plus strand). Cytogenetic location: 2q35.
Variant type: single nucleotide variant.
Coding change: c.7843A>G on transcript NM_005876.5 (MANE Select); coding-DNA position 7843, A replaced by G.
Protein change: p.Ile2615Val; replaces isoleucine 2615 with valine.
Molecular consequence: missense variant.
Genome position (GRCh38, 1-based): chr2:219,488,295, A>G. VCF-style: chr2-219488295-A-G. GRCh37 (hg19) VCF-style: chr2-220353017-A-G.
Other names: c.7843A>G (NM_005876.4); short protein forms I2615V.
Identifiers: ClinVar variation 1551802 (VCV001551802.11), dbSNP rs192191689, ClinGen allele CA2127304.

ClinVar aggregate classification (germline): Conflicting classifications of pathogenicity. Review status: criteria provided, conflicting classifications (1 of 4 stars). 3 submissions from 3 submitters: Uncertain significance (1); Likely benign (1). 1 of the submissions does not count toward it. Last evaluated 2026-01-26.

Conditions:
SPEG-related disorder. Also called: SPEG-related condition.

Allele frequency attached by ClinVar (database versions not stated): TOPMed 0.00053; gnomAD 0.00059 and 0.00062; ESP Exome Variant Server 0.00072; gnomAD exomes 0.00080 and 0.00110; ExAC 0.00082; 1000 Genomes Project 30x 0.00094; 1000 Genomes Project 0.00100.
gnomAD v4.1: 1,669 of 1,610,036 alleles (0.1%); highest among the groups gnomAD compares: Non-Finnish European, 0.13%; 4 homozygotes.

Submissions (3):

Labcorp Genetics (formerly Invitae), Labcorp
Classification: Likely benign. Last evaluated: 2026-01-26. Review status: criteria provided, single submitter. Criteria: Invitae Variant Classification Sherloc (09022015). Collection method: clinical testing. Allele origin: germline.

Blueprint Genetics
Classification: Uncertain significance. Last evaluated: 2024-11-21. Review status: criteria provided, single submitter. Criteria: ACMG Guidelines, 2015. Collection method: clinical testing. Allele origin: germline.

PreventionGenetics, part of Exact Sciences
Classification: Likely benign for SPEG-related condition. Last evaluated: 2023-12-19. Review status: no assertion criteria provided. Collection method: clinical testing. Allele origin: germline. Not counted in ClinVar's aggregate classification.
Comment: This variant is classified as likely benign based on ACMG/AMP sequence variant interpretation guidelines (Richards et al. 2015 PMID: 25741868, with internal and published modifications).